The following is an entry in ClinVar:

ClinVar aggregate classification (germline): Uncertain significance (1 of 4 stars; one submission).

Allele frequency attached by ClinVar (database versions not stated): gnomAD exomes below 0.00001.
gnomAD v4.1: 1 of 1,613,526 alleles (0.000062%); highest among the groups gnomAD compares: Middle Eastern, 0.017%; no homozygotes.

Submission:

Labcorp Genetics (formerly Invitae), Labcorp
Classification: Uncertain significance. Last evaluated: 2023-09-09. Review status: criteria provided, single submitter. Criteria: Invitae Variant Classification Sherloc (09022015). Collection method: clinical testing. Allele origin: germline.
Comment: In summary, the available evidence is currently insufficient to determine the role of this variant in disease. Therefore, it has been classified as a Variant of Uncertain Significance. Advanced modeling of protein sequence and biophysical properties (such as structural, functional, and spatial information, amino acid conservation, physicochemical variation, residue mobility, and thermodynamic stability) performed at Invitae indicates that this missense variant is not expected to disrupt CLPX protein function. This variant has not been reported in the literature in individuals affected with CLPX-related conditions. This variant is not present in population databases (gnomAD no frequency). This sequence change replaces glutamic acid, which is acidic and polar, with lysine, which is basic and polar, at codon 128 of the CLPX protein (p.Glu128Lys).

NM_006660.5(CLPX):c.382G>A (p.Glu128Lys)

Gene: CLPX (caseinolytic mitochondrial matrix peptidase chaperone subunit X; minus strand). Cytogenetic location: 15q22.31.
Variant type: single nucleotide variant.
Coding change: c.382G>A on transcript NM_006660.5 (MANE Select); coding-DNA position 382, G replaced by A.
Protein change: p.Glu128Lys; replaces glutamic acid 128 with lysine.
Molecular consequence: missense variant. On other transcripts: non-coding transcript variant (1).
Genome position (GRCh38, 1-based): chr15:65,166,762, C>T on the plus strand (G>A on the coding strand, the complement: CLPX is on the minus strand). VCF-style: chr15-65166762-C-T. GRCh37 (hg19) VCF-style: chr15-65459100-C-T.
Other names: short protein forms E128K.
Identifiers: ClinVar variation 2983830 (VCV002983830.3), dbSNP rs867518178, ClinGen allele CA271521675.
Genomic context (GRCh38, chr15:65,166,762, plus strand): 5'-TAATTATGCTTTTCTTTGAGTCTGCTTCAGATAGCACAACAAAAAAATGATGACACTTTT[C>T]ACACTTGACAAAACGGGTGGATGCTGTAAAAGAAAACAGACATAAGTAGAGGGAAATAAA-3'
Protein context (NP_006651.2, residues 118-138): FVSSTRFVKC[Glu128Lys]KCHHFFVVLS